The following is an entry in ClinVar:

NM_001909.5(CTSD):c.293C>G (p.Thr98Arg)

Gene: CTSD (cathepsin D; minus strand). Cytogenetic location: 11p15.5.
Variant type: single nucleotide variant.
Coding change: c.293C>G on transcript NM_001909.5 (MANE Select); coding-DNA position 293, C replaced by G.
Protein change: p.Thr98Arg; replaces threonine 98 with arginine.
Molecular consequence: missense variant.
Genome position (GRCh38, 1-based): chr11:1,759,575, G>C on the plus strand (C>G on the coding strand, the complement: CTSD is on the minus strand). VCF-style: chr11-1759575-G-C. GRCh37 (hg19) VCF-style: chr11-1780805-G-C.
Other names: short protein forms T98R.
Identifiers: ClinVar variation 1395214 (VCV001395214.6), dbSNP rs748897941, ClinGen allele CA379098344.

ClinVar aggregate classification (germline): Uncertain significance (1 of 4 stars; one submission).

Conditions:
Neuronal ceroid lipofuscinosis. Also called: Neuronal Ceroid Lipofuscinoses. Identifiers: Orphanet 216, Orphanet 79263, MedGen C0027877, MONDO:0016295. Disease mechanism: loss of function.

Submission:

Labcorp Genetics (formerly Invitae), Labcorp
Classification: Uncertain significance for Neuronal ceroid lipofuscinosis. Last evaluated: 2021-11-26. Review status: criteria provided, single submitter. Criteria: Invitae Variant Classification Sherloc (09022015). Collection method: clinical testing. Allele origin: germline.
Comment: This sequence change replaces threonine, which is neutral and polar, with arginine, which is basic and polar, at codon 98 of the CTSD protein (p.Thr98Arg). This variant is not present in population databases (gnomAD no frequency). This variant has not been reported in the literature in individuals affected with CTSD-related conditions. Algorithms developed to predict the effect of missense changes on protein structure and function are either unavailable or do not agree on the potential impact of this missense change (SIFT: "Deleterious"; PolyPhen-2: "Probably Damaging"; Align-GVGD: "Class C0"). Algorithms developed to predict the effect of sequence changes on RNA splicing suggest that this variant may create or strengthen a splice site. In summary, the available evidence is currently insufficient to determine the role of this variant in disease. Therefore, it has been classified as a Variant of Uncertain Significance.